The following is an entry in ClinVar:

ClinVar aggregate classification (germline): Likely pathogenic (1 of 4 stars; one submission).

Conditions:
Hereditary cancer-predisposing syndrome. Also called: Neoplastic Syndromes, Hereditary; Tumor predisposition; Hereditary Cancer Syndrome; Hereditary neoplastic syndrome. Identifiers: Orphanet 140162, MedGen C0027672, MeSH D009386, MONDO:0015356.

Submission:

Ambry Genetics
Classification: Likely pathogenic for Hereditary cancer-predisposing syndrome. Last evaluated: 2026-05-14. Review status: criteria provided, single submitter. Criteria: Ambry Variant Classification Scheme 2023. Collection method: clinical testing. Allele origin: germline.
Comment: The c.476-1G>T intronic variant results from a G to T substitution one nucleotide upstream from coding exon 2 of the CDKN1B gene. This alteration occurs at the 3' terminus of the CDKN1B gene, is not expected to trigger nonsense-mediated mRNA decay, and only impacts the last 40 amino acids of the protein. The exact functional effect of this alteration is unknown; however, the region predicted to be impacted is critical for protein function (Ambry internal data). This nucleotide position is highly conserved in available vertebrate species. In silico splice site analysis predicts that this alteration will weaken the native splice acceptor site and will result in the creation or strengthening of a novel splice acceptor site. RNA studies have demonstrated that this variant results in abnormal splicing in the set of samples tested (Ambry internal data). Based on the majority of available evidence to date, this variant is likely to be pathogenic.

NM_004064.5(CDKN1B):c.476-1G>T

Gene: CDKN1B (cyclin dependent kinase inhibitor 1B; plus strand). Cytogenetic location: 12p13.1.
Variant type: single nucleotide variant.
Coding change: c.476-1G>T on transcript NM_004064.5 (MANE Select); the canonical splice acceptor site of the intron before coding-DNA position 476, G replaced by T.
Molecular consequence: splice acceptor variant.
Genome position (GRCh38, 1-based): chr12:12,718,824, G>T. VCF-style: chr12-12718824-G-T. GRCh37 (hg19) VCF-style: chr12-12871758-G-T.
Identifiers: ClinVar variation 3265552 (VCV003265552.2).